The following is an entry in ClinVar:

ClinVar aggregate classification (germline): Benign/Likely benign. Review status: criteria provided, multiple submitters, no conflicts (2 of 4 stars). 8 submissions from 8 submitters: Benign (6); Likely benign (2). Last evaluated 2026-01-26.

Conditions:
Inborn genetic diseases. Identifiers: MedGen C0950123, MeSH D030342.
Dyskeratosis congenita, autosomal dominant 6 (DKCA6). Identifiers: Orphanet 3322, MedGen C4225284, MONDO:0014690, OMIM 616553.

Allele frequency attached by ClinVar (database versions not stated): gnomAD exomes 0.00066 and 0.00147; ExAC 0.00186; gnomAD 0.00630 and 0.00679; ESP Exome Variant Server 0.00677; 1000 Genomes Project 0.00679; 1000 Genomes Project 30x 0.00734; TOPMed 0.00752.

Submissions (8):

Labcorp Genetics (formerly Invitae), Labcorp
Classification: Benign for Dyskeratosis congenita, autosomal dominant 6. Last evaluated: 2026-01-26. Review status: criteria provided, single submitter. Criteria: Invitae Variant Classification Sherloc (09022015). Collection method: clinical testing. Allele origin: germline.

Center for Genomic Medicine, Rigshospitalet, Copenhagen University Hospital
Classification: Benign. Last evaluated: 2025-03-04. Review status: criteria provided, single submitter. Criteria: ACMG Guidelines, 2015. Collection method: clinical testing. Allele origin: germline.

Blueprint Genetics
Classification: Likely benign. Last evaluated: 2024-10-23. Review status: criteria provided, single submitter. Criteria: ACMG Guidelines, 2015. Collection method: clinical testing. Allele origin: germline.

Mayo Clinic Laboratories, Mayo Clinic
Classification: Benign. Last evaluated: 2024-04-05. Review status: criteria provided, single submitter. Criteria: ACMG Guidelines, 2015. Collection method: clinical testing. Allele origin: germline. Observed: 2 variant alleles.
Comment: BS1, BS2, BP4

Genome-Nilou Lab
Classification: Benign for Dyskeratosis congenita, autosomal dominant 6. Last evaluated: 2021-12-05. Review status: criteria provided, single submitter. Criteria: ACMG Guidelines, 2015. Collection method: clinical testing. Allele origin: germline. Affected: no.

Ambry Genetics
Classification: Likely benign for Inborn genetic diseases. Last evaluated: 2021-06-30. Review status: criteria provided, single submitter. Criteria: Ambry Variant Classification Scheme 2023. Collection method: clinical testing. Allele origin: germline.

Genetic Services Laboratory, University of Chicago
Classification: Benign. Last evaluated: 2018-10-31. Review status: criteria provided, single submitter. Criteria: ACMG Guidelines, 2015. Collection method: clinical testing. Allele origin: germline. Affected: no.

Breakthrough Genomics
Classification: Benign. Review status: criteria provided, single submitter. Criteria: ACMG Guidelines, 2015. Collection method: not provided. Allele origin: germline. Inheritance: Autosomal dominant inheritance. Affected: yes.

NM_001082486.2(ACD):c.923G>A (p.Gly308Glu)

Gene: ACD (ACD shelterin complex subunit and telomerase recruitment factor; minus strand). Cytogenetic location: 16q22.1.
Variant type: single nucleotide variant.
Coding change: c.923G>A on transcript NM_001082486.2 (MANE Select); coding-DNA position 923, G replaced by A.
Protein change: p.Gly308Glu; replaces glycine 308 with glutamic acid.
Molecular consequence: missense variant.
Genome position (GRCh38, 1-based): chr16:67,658,269, C>T on the plus strand (G>A on the coding strand, the complement: ACD is on the minus strand). VCF-style: chr16-67658269-C-T. GRCh37 (hg19) VCF-style: chr16-67692172-C-T.
Other names: p.Gly308Glu; c.923G>A, p.Gly308Glu (LRG_1237t1); c.914G>A, p.Gly305Glu (NM_022914.3); short protein forms G308E, G305E.
Identifiers: ClinVar variation 475764 (VCV000475764.28), dbSNP rs147189192, ClinGen allele CA8114480.